The following is an entry in ClinVar:

ClinVar aggregate classification (germline): Uncertain significance (1 of 4 stars; one submission).

Conditions:
Cardiomyopathy (CMYO). Also called: Cardiomyopathies. Identifiers: Orphanet 167848, MedGen C0878544, MONDO:0004994, HP:0001638. Inheritance: Various modes of inheritance.

Submission:

Color Diagnostics, LLC DBA Color Health
Classification: Uncertain significance for Cardiomyopathy. Last evaluated: 2024-03-06. Review status: criteria provided, single submitter. Criteria: ACMG Guidelines, 2015. Collection method: clinical testing. Allele origin: germline.
Comment: This missense variant replaces alanine with glycine at codon 1702 of the MYH7 protein. Computational prediction suggests that this variant may have deleterious impact on protein structure and function (internally defined REVEL score threshold >= 0.7, PMID: 27666373). Splice site prediction tools suggest that this variant may not impact RNA splicing. To our knowledge, functional studies have not been performed for this variant. This variant has not been reported in individuals affected with cardiovascular disorders in the literature. This variant has not been identified in the general population by the Genome Aggregation Database (gnomAD). The available evidence is insufficient to determine the role of this variant in disease conclusively. Therefore, this variant is classified as a Variant of Uncertain Significance.

NM_000257.4(MYH7):c.5105C>G (p.Ala1702Gly)

Genes: MHRT (myosin heavy chain associated RNA transcript; plus strand), MYH7 (myosin heavy chain 7; minus strand), LOC126861897 (BRD4-independent group 4 enhancer GRCh37_chr14:23884455-23885654; plus strand). Cytogenetic location: 14q11.2.
Variant type: single nucleotide variant.
Coding change: c.5105C>G on transcript NM_000257.4 (MANE Select); coding-DNA position 5105, C replaced by G.
Protein change: p.Ala1702Gly; replaces alanine 1702 with glycine.
Molecular consequence: missense variant. On other transcripts: non-coding transcript variant (1).
Genome position (GRCh38, 1-based): chr14:23,415,681, G>C on the plus strand (C>G on the coding strand, the complement: MYH7 is on the minus strand). VCF-style: chr14-23415681-G-C. GRCh37 (hg19) VCF-style: chr14-23884890-G-C.
Other names: short protein forms A1702G.
Identifiers: ClinVar variation 923460 (VCV000923460.4), dbSNP rs750013359, ClinGen allele CA389036953.